The following is an entry in ClinVar:

NM_001001548.3(CD36):c.1200-5T>A

Gene: CD36 (CD36 molecule (CD36 blood group); plus strand). Cytogenetic location: 7q21.11.
Variant type: single nucleotide variant.
Coding change: c.1200-5T>A on transcript NM_001001548.3 (MANE Select); 5 bases into the intron before coding-DNA position 1200, T replaced by A.
Molecular consequence: intron variant.
Genome position (GRCh38, 1-based): chr7:80,673,350, T>A. VCF-style: chr7-80673350-T-A. GRCh37 (hg19) VCF-style: chr7-80302666-T-A.
Other names: c.1200-5T>A (NM_001371075.1, NM_001001547.3, NM_001371074.1 and 5 more transcripts); c.735-5T>A (NM_001371081.1, NM_001371080.1); c.972-5T>A (NM_001289911.2); c.1098-5T>A (NM_001371079.1); c.1020-5T>A (NM_001289909.1); c.1083-5T>A (NM_001289908.1).
Identifiers: ClinVar variation 4980239 (VCV004980239.1).

ClinVar aggregate classification (germline): Likely benign (1 of 4 stars; one submission).

Conditions:
CD36-related disorder. Also called: CD36-related condition; CD36-related disorders.

gnomAD v4.1: 49 of 1,340,506 alleles (0.0037%); highest among the groups gnomAD compares: Middle Eastern, 0.076%; no homozygotes.

Submission:

PreventionGenetics, part of Exact Sciences
Classification: Likely benign for CD36-related condition. Last evaluated: 2025-10-06. Review status: criteria provided, single submitter. Criteria: ACMG Guidelines, 2015. Collection method: clinical testing. Allele origin: germline.
Comment: This variant is classified as likely benign based on ACMG/AMP sequence variant interpretation guidelines (Richards et al. 2015 PMID: 25741868, with internal and published modifications).